The following is an entry in ClinVar:

ClinVar aggregate classification (germline): Uncertain significance. Review status: criteria provided, multiple submitters, no conflicts (2 of 4 stars). 2 submissions from 2 submitters: Uncertain significance (2). Last evaluated 2025-10-05.

Conditions:
Cardiovascular phenotype. Identifiers: MedGen CN230736.
Dilated cardiomyopathy 1KK (CMD1KK). Identifiers: Orphanet 154, Orphanet 75249, MedGen C3714995, MONDO:0014100, OMIM 615248.

gnomAD v4.1: 3 of 1,614,194 alleles (0.00019%); highest among the groups gnomAD compares: Middle Eastern, 0.016%; no homozygotes.

Submissions (2):

Ambry Genetics
Classification: Uncertain significance for Cardiovascular phenotype. Last evaluated: 2025-10-05. Review status: criteria provided, single submitter. Criteria: Ambry Variant Classification Scheme 2023. Collection method: clinical testing. Allele origin: germline.
Comment: The p.P175L variant (also known as c.524C>T), located in coding exon 1 of the MYPN gene, results from a C to T substitution at nucleotide position 524. The proline at codon 175 is replaced by leucine, an amino acid with similar properties. This amino acid position is conserved. In addition, the in silico prediction for this alteration is inconclusive. Based on the available evidence, the clinical significance of this variant remains unclear.

Labcorp Genetics (formerly Invitae), Labcorp
Classification: Uncertain significance for Dilated cardiomyopathy 1KK. Last evaluated: 2025-02-20. Review status: criteria provided, single submitter. Criteria: Invitae Variant Classification Sherloc (09022015). Collection method: clinical testing. Allele origin: germline.
Comment: This sequence change replaces proline, which is neutral and non-polar, with leucine, which is neutral and non-polar, at codon 175 of the MYPN protein (p.Pro175Leu). This variant is not present in population databases (gnomAD no frequency). This variant has not been reported in the literature in individuals affected with MYPN-related conditions. An algorithm developed to predict the effect of missense changes on protein structure and function (PolyPhen-2) suggests that this variant is likely to be disruptive. In summary, the available evidence is currently insufficient to determine the role of this variant in disease. Therefore, it has been classified as a Variant of Uncertain Significance.

NM_032578.4(MYPN):c.524C>T (p.Pro175Leu)

Gene: MYPN (myopalladin; plus strand). Cytogenetic location: 10q21.3.
Variant type: single nucleotide variant.
Coding change: c.524C>T on transcript NM_032578.4 (MANE Select); coding-DNA position 524, C replaced by T.
Protein change: p.Pro175Leu; replaces proline 175 with leucine.
Molecular consequence: missense variant. On other transcripts: 5 prime UTR variant (1), non-coding transcript variant (1).
Genome position (GRCh38, 1-based): chr10:68,121,962, C>T. VCF-style: chr10-68121962-C-T. GRCh37 (hg19) VCF-style: chr10-69881719-C-T.
Other names: c.524C>T, p.Pro175Leu (NM_001256267.2); c.-599C>T (NM_001256268.2); short protein forms P175L.
Identifiers: ClinVar variation 4614668 (VCV004614668.2).
Genomic context (GRCh38, chr10:68,121,962, plus strand): 5'-CCGACTTCATTGAAGAGCTATCCTCCCTTTTCAAATCCCACAGCTCCAAAAGGATTAGAC[C>T]TCGTGCCTGCAAAAACCACAAGAGTAAACTGGAATCTCAAAACAAAGTTATGCAGGAAAA-3'
Protein context (NP_115967.2, residues 165-185): FKSHSSKRIR[Pro175Leu]RACKNHKSKL